The following is an entry in ClinVar:

NM_000138.5(FBN1):c.4690_4691insTGTT (p.Cys1564fs)

Gene: FBN1 (fibrillin 1; minus strand). Cytogenetic location: 15q21.1.
Variant type: Insertion.
Coding change: c.4690_4691insTGTT on transcript NM_000138.5 (MANE Select); coding-DNA positions 4690 to 4691, TGTT inserted.
Protein change: p.Cys1564fs; shifts the reading frame from cysteine 1564.
Molecular consequence: frameshift variant.
Genome position: GRCh38 VCF-style: chr15-48467994-C-CAACA. GRCh37 (hg19) VCF-style: chr15-48760191-C-CAACA.
Other names: short protein forms C1564fs.
Identifiers: ClinVar variation 1299644 (VCV001299644.1), dbSNP rs2141272337, ClinGen allele CA2499222979.

ClinVar aggregate classification (germline): Pathogenic (1 of 4 stars; one submission).

Conditions:
Marfan syndrome (MFS). Also called: Marfan syndrome type 1; Marfan's syndrome; FBN1-Related Marfan Syndrome; MARFAN SYNDROME, TYPE I; Marfan syndrome, classic. Identifiers: Orphanet 284963, Orphanet 558, MedGen C0024796, MONDO:0007947, OMIM 154700.

Submission:

Laboratory of Medical Genetics, National & Kapodistrian University of Athens
Classification: Pathogenic for Marfan syndrome. Last evaluated: 2021-10-01. Review status: criteria provided, single submitter. Criteria: ACMG Guidelines, 2015. Collection method: clinical testing. Allele origin: unknown. Affected: yes.
Comment: PVS1, PM1, PM2

Literature cited by the submitters: PubMed 34008892.